The following is an entry in ClinVar:

NM_000193.4(SHH):c.723C>G (p.Phe241Leu)

Gene: SHH (sonic hedgehog signaling molecule; minus strand). Cytogenetic location: 7q36.3.
Variant type: single nucleotide variant.
Coding change: c.723C>G on transcript NM_000193.4 (MANE Select); coding-DNA position 723, C replaced by G.
Protein change: p.Phe241Leu; replaces phenylalanine 241 with leucine.
Molecular consequence: missense variant. On other transcripts: intron variant (1).
Genome position (GRCh38, 1-based): chr7:155,803,566, G>C on the plus strand (C>G on the coding strand, the complement: SHH is on the minus strand). VCF-style: chr7-155803566-G-C. GRCh37 (hg19) VCF-style: chr7-155596260-G-C.
Other names: c.301+2730C>G (NM_001310462.2); short protein forms F241L.
Identifiers: ClinVar variation 4709564 (VCV004709564.1).

ClinVar aggregate classification (germline): Uncertain significance (1 of 4 stars; one submission).

Conditions:
Holoprosencephaly 3 (HPE3). Identifiers: Orphanet 2162, MedGen C1840529, MONDO:0007733, OMIM 142945.

Submission:

Labcorp Genetics (formerly Invitae), Labcorp
Classification: Uncertain significance for Holoprosencephaly 3. Last evaluated: 2025-05-23. Review status: criteria provided, single submitter. Criteria: Invitae Variant Classification Sherloc (09022015). Collection method: clinical testing. Allele origin: germline.
Comment: This sequence change replaces phenylalanine, which is neutral and non-polar, with leucine, which is neutral and non-polar, at codon 241 of the SHH protein (p.Phe241Leu). This variant is not present in population databases (gnomAD no frequency). This missense change has been observed in individual(s) with holoprosencephaly (PMID: 19603532). Invitae Evidence Modeling of protein sequence and biophysical properties (such as structural, functional, and spatial information, amino acid conservation, physicochemical variation, residue mobility, and thermodynamic stability) indicates that this missense variant is expected to disrupt SHH protein function with a positive predictive value of 80%. Experimental studies are conflicting or provide insufficient evidence to determine the effect of this variant on SHH function (PMID: 32939873). This variant disrupts the p.Phe241 amino acid residue in SHH. Other variant(s) that disrupt this residue have been observed in individuals with SHH-related conditions (PMID: 19603532), which suggests that this may be a clinically significant amino acid residue. In summary, the available evidence is currently insufficient to determine the role of this variant in disease. Therefore, it has been classified as a Variant of Uncertain Significance.

Literature cited by the submitters: PubMed 19603532; PubMed 32939873.